The following is an entry in ClinVar:

ClinVar aggregate classification (germline): Uncertain significance (1 of 4 stars; one submission).

Conditions:
Familial thoracic aortic aneurysm and aortic dissection (TAAD). Also called: Thoracic aortic aneurysms and dissections. Identifiers: Orphanet 91387, MedGen C4707243, MONDO:0019625.

Submission:

Color Diagnostics, LLC DBA Color Health
Classification: Uncertain significance for Familial thoracic aortic aneurysm and aortic dissection. Last evaluated: 2025-07-17. Review status: criteria provided, single submitter. Criteria: ACMG Guidelines, 2015. Collection method: clinical testing. Allele origin: germline.
Comment: This missense variant replaces valine with leucine at codon 1524 of the FBN1 protein. Computational prediction is inconclusive regarding the impact of this variant on protein structure and function. To our knowledge, functional studies have not been reported for this variant. This variant has not been reported in individuals affected with FBN1-related disorders in the literature. This variant has not been identified in the general population by the Genome Aggregation Database (gnomAD). The available evidence is insufficient to determine the role of this variant in disease conclusively. Therefore, this variant is classified as a Variant of Uncertain Significance.

NM_000138.5(FBN1):c.4570G>C (p.Val1524Leu)

Gene: FBN1 (fibrillin 1; minus strand). Cytogenetic location: 15q21.1.
Variant type: single nucleotide variant.
Coding change: c.4570G>C on transcript NM_000138.5 (MANE Select); coding-DNA position 4570, G replaced by C.
Protein change: p.Val1524Leu; replaces valine 1524 with leucine.
Molecular consequence: missense variant.
Genome position (GRCh38, 1-based): chr15:48,468,424, C>G on the plus strand (G>C on the coding strand, the complement: FBN1 is on the minus strand). VCF-style: chr15-48468424-C-G. GRCh37 (hg19) VCF-style: chr15-48760621-C-G.
Other names: c.4570G>C, p.Val1524Leu (NM_001406716.1); short protein forms V1524L.
Identifiers: ClinVar variation 4757670 (VCV004757670.1).